The following is an entry in ClinVar:

ClinVar aggregate classification (germline): Likely pathogenic. Review status: criteria provided, multiple submitters, no conflicts (2 of 4 stars). 2 submissions from 2 submitters: Likely pathogenic (2). Last evaluated 2023-03-08.

Conditions:
X-linked Alport syndrome (ATS1). Also called: NEPHROPATHY AND DEAFNESS, X-LINKED; COL4A5-Related Nephropathy. Identifiers: Orphanet 63, Orphanet 88917, MedGen C4746986, MONDO:0010520, OMIM 301050.

Submissions (2):

Labcorp Genetics (formerly Invitae), Labcorp
Classification: Likely pathogenic. Last evaluated: 2023-03-08. Review status: criteria provided, single submitter. Criteria: Invitae Variant Classification Sherloc (09022015). Collection method: clinical testing. Allele origin: germline.
Comment: This sequence change replaces glycine, which is neutral and non-polar, with aspartic acid, which is acidic and polar, at codon 1264 of the COL4A5 protein (p.Gly1264Asp). This variant is not present in population databases (gnomAD no frequency). This variant has not been reported in the literature in individuals affected with COL4A5-related conditions. ClinVar contains an entry for this variant (Variation ID: 1324124). Experimental studies and prediction algorithms are not available or were not evaluated, and the functional significance of this variant is currently unknown. This variant disrupts the triple helix domain of COL4A5. Glycine residues within the Gly-Xaa-Yaa repeats of the triple helix domain are required for the structure and stability of fibrillar collagens (PMID: 7695699, 8218237, 19344236). In COL4A5, missense variants at these glycine residues are significantly enriched in individuals with disease (PMID: 23720012, 27627812) compared to the general population (ExAC). In summary, the currently available evidence indicates that the variant is pathogenic, but additional data are needed to prove that conclusively. Therefore, this variant has been classified as Likely Pathogenic.

Revvity Omics, Revvity
Classification: Likely pathogenic for X-linked Alport syndrome. Last evaluated: 2019-12-19. Review status: criteria provided, single submitter. Criteria: ACMG Guidelines, 2015. Collection method: clinical testing. Allele origin: germline.

Literature cited by the submitters: PubMed 7695699 (cited by Labcorp Genetics (formerly Invitae), Labcorp); PubMed 8218237 (cited by Labcorp Genetics (formerly Invitae), Labcorp); PubMed 19344236 (cited by Labcorp Genetics (formerly Invitae), Labcorp); PubMed 23720012 (cited by Labcorp Genetics (formerly Invitae), Labcorp); PubMed 27627812 (cited by Labcorp Genetics (formerly Invitae), Labcorp).

NM_033380.3(COL4A5):c.3809G>A (p.Gly1270Asp)

Gene: COL4A5 (collagen type IV alpha 5 chain; plus strand). Cytogenetic location: Xq22.3.
Variant type: single nucleotide variant.
Coding change: c.3809G>A on transcript NM_033380.3 (MANE Select); coding-DNA position 3809, G replaced by A.
Protein change: p.Gly1270Asp; replaces glycine 1270 with aspartic acid.
Molecular consequence: missense variant.
Genome position (GRCh38, 1-based): chrX:108,677,500, G>A. VCF-style: chrX-108677500-G-A. GRCh37 (hg19) VCF-style: chrX-107920730-G-A.
Other names: c.3791G>A, p.Gly1264Asp (NM_000495.5); short protein forms G1264D, G1270D.
Identifiers: ClinVar variation 1324124 (VCV001324124.7), dbSNP rs2147974770, ClinGen allele CA413850042.